The following is an entry in ClinVar:

ClinVar aggregate classification (germline): Uncertain significance. Review status: criteria provided, multiple submitters, no conflicts (2 of 4 stars). 2 submissions from 2 submitters: Uncertain significance (2). Last evaluated 2025-11-03.

Conditions:
Hoyeraal-Hreidarsson syndrome (HHS). Also called: CEREBELLAR HYPOPLASIA WITH PANCYTOPENIA. Identifiers: Orphanet 3322, MedGen C1846142, MONDO:0018045.
Autosomal recessive dyskeratosis congenita. Identifiers: MedGen C3502105.

Allele frequency attached by ClinVar (database versions not stated): gnomAD exomes 0.00001; ExAC 0.00002; TOPMed 0.00005; gnomAD 0.00007 and 0.00008.
gnomAD v4.1: 22 of 1,614,102 alleles (0.0014%); highest among the groups gnomAD compares: African/African-American, 0.025%; no homozygotes.

Submissions (2):

Ambry Genetics
Classification: Uncertain significance. Last evaluated: 2025-11-03. Review status: criteria provided, single submitter. Criteria: Ambry Variant Classification Scheme 2023. Collection method: clinical testing. Allele origin: germline.

Labcorp Genetics (formerly Invitae), Labcorp
Classification: Uncertain significance for Hoyeraal-Hreidarsson syndrome; Autosomal recessive dyskeratosis congenita. Last evaluated: 2021-05-26. Review status: criteria provided, single submitter. Criteria: Invitae Variant Classification Sherloc (09022015). Collection method: clinical testing. Allele origin: germline.
Comment: This variant is present in population databases (rs777030988, ExAC 0.02%). This sequence change replaces glutamic acid with aspartic acid at codon 449 of the DCLRE1B protein (p.Glu449Asp). The glutamic acid residue is weakly conserved and there is a small physicochemical difference between glutamic acid and aspartic acid. This variant has not been reported in the literature in individuals with DCLRE1B-related conditions. Algorithms developed to predict the effect of missense changes on protein structure and function are either unavailable or do not agree on the potential impact of this missense change (SIFT: "Deleterious"; PolyPhen-2: "Benign"; Align-GVGD: "Class C0"). In summary, the available evidence is currently insufficient to determine the role of this variant in disease. Therefore, it has been classified as a Variant of Uncertain Significance.

NM_022836.4(DCLRE1B):c.1347G>T (p.Glu449Asp)

Gene: DCLRE1B (DNA cross-link repair 1B; plus strand). Cytogenetic location: 1p13.2.
Variant type: single nucleotide variant.
Coding change: c.1347G>T on transcript NM_022836.4 (MANE Select); coding-DNA position 1347, G replaced by T.
Protein change: p.Glu449Asp; replaces glutamic acid 449 with aspartic acid.
Molecular consequence: missense variant. On other transcripts: intron variant (2).
Genome position (GRCh38, 1-based): chr1:113,911,939, G>T. VCF-style: chr1-113911939-G-T. GRCh37 (hg19) VCF-style: chr1-114454561-G-T.
Other names: c.969G>T, p.Glu323Asp (NM_001319946.2, NM_001319947.2); c.1246+101G>T (NM_001363690.2); c.868+101G>T (NM_001363691.2); c.1347G>T (NM_022836.3); short protein forms E323D, E449D.
Identifiers: ClinVar variation 1419030 (VCV001419030.9), dbSNP rs777030988, ClinGen allele CA1016570.